The following is an entry in ClinVar:

NM_021228.3(SCAF1):c.670C>A (p.Arg224=)

Gene: SCAF1 (SR-related CTD associated factor 1; plus strand). Cytogenetic location: 19q13.33.
Variant type: single nucleotide variant.
Coding change: c.670C>A on transcript NM_021228.3 (MANE Select); coding-DNA position 670, C replaced by A.
Protein change: p.Arg224=; no amino-acid change (arginine 224 retained).
Molecular consequence: synonymous variant.
Genome position (GRCh38, 1-based): chr19:49,651,059, C>A. VCF-style: chr19-49651059-C-A. GRCh37 (hg19) VCF-style: chr19-50154316-C-A.
Identifiers: ClinVar variation 2650277 (VCV002650277.24), dbSNP rs1250066002, ClinGen allele CA9579446.

ClinVar aggregate classification (germline): Likely benign (1 of 4 stars; one submission).

Allele frequency attached by ClinVar (database versions not stated): gnomAD 0.00006; ExAC 0.00007.
gnomAD v4.1: 36 of 1,504,896 alleles (0.0024%); highest among the groups gnomAD compares: Middle Eastern, 0.11%; no homozygotes.

Submission:

CeGaT Center for Human Genetics Tuebingen
Classification: Likely benign. Last evaluated: 2023-04-01. Review status: criteria provided, single submitter. Criteria: CeGaT Center For Human Genetics Tuebingen Variant Classification Criteria Version 2. Collection method: clinical testing. Allele origin: germline. Affected: yes. Observed: 1 variant allele.
Comment: SCAF1: BP4, BP7